The following is an entry in ClinVar:

ClinVar aggregate classification (germline): Conflicting classifications of pathogenicity. Review status: criteria provided, conflicting classifications (1 of 4 stars). 4 submissions from 4 submitters: Likely pathogenic (2); Uncertain significance (2). Last evaluated 2026-09-01.

Conditions:
Mucopolysaccharidosis type 7 (MPS7). Also called: GUSB DEFICIENCY; BETA-GLUCURONIDASE DEFICIENCY; SLY SYNDROME; MPS VII. Identifiers: Orphanet 584, MedGen C0085132, MONDO:0009662, OMIM 253220.

Allele frequency attached by ClinVar (database versions not stated): gnomAD 0.00001; TOPMed 0.00001.

Submissions (4):

CeGaT Center for Human Genetics Tuebingen
Classification: Likely pathogenic. Last evaluated: 2026-09-01. Review status: criteria provided, single submitter. Criteria: CeGaT Center For Human Genetics Tuebingen Variant Classification Criteria Version 2. Collection method: clinical testing. Allele origin: germline. Affected: yes. Observed: 1 variant allele.
Comment: GUSB: PM2, PM3, PP4:Moderate

GeneDx
Classification: Uncertain significance. Last evaluated: 2025-06-02. Review status: criteria provided, single submitter. Criteria: GeneDx Variant Classification Process June 2021. Collection method: clinical testing. Allele origin: germline. Affected: yes.
Comment: Not observed at significant frequency in large population cohorts (gnomAD); In silico analysis supports that this missense variant has a deleterious effect on protein structure/function; This variant is associated with the following publications: (PMID: 19224584, 36299251)

Fulgent Genetics
Classification: Likely pathogenic for Mucopolysaccharidosis type 7. Last evaluated: 2024-04-11. Review status: criteria provided, single submitter. Criteria: ACMG Guidelines, 2015. Collection method: clinical testing. Allele origin: germline.

Labcorp Genetics (formerly Invitae), Labcorp
Classification: Uncertain significance for Mucopolysaccharidosis type 7. Last evaluated: 2022-02-08. Review status: criteria provided, single submitter. Criteria: Invitae Variant Classification Sherloc (09022015). Collection method: clinical testing. Allele origin: germline.
Comment: In summary, the available evidence is currently insufficient to determine the role of this variant in disease. Therefore, it has been classified as a Variant of Uncertain Significance. Algorithms developed to predict the effect of missense changes on protein structure and function are either unavailable or do not agree on the potential impact of this missense change (SIFT: "Deleterious"; PolyPhen-2: "Probably Damaging"; Align-GVGD: "Class C0"). This missense change has been observed in individual(s) with mucopolysaccharidosis VII (PMID: 19224584). This variant is present in population databases (no rsID available, gnomAD 0.007%). This sequence change replaces glycine, which is neutral and non-polar, with alanine, which is neutral and non-polar, at codon 607 of the GUSB protein (p.Gly607Ala).

Literature cited by the submitters: PubMed 19224584 (cited by Labcorp Genetics (formerly Invitae), Labcorp).

NM_000181.4(GUSB):c.1820G>C (p.Gly607Ala)

Gene: GUSB (glucuronidase beta; minus strand). Cytogenetic location: 7q11.21.
Variant type: single nucleotide variant.
Coding change: c.1820G>C on transcript NM_000181.4 (MANE Select); coding-DNA position 1820, G replaced by C.
Protein change: p.Gly607Ala; replaces glycine 607 with alanine.
Molecular consequence: missense variant. On other transcripts: non-coding transcript variant (1).
Genome position (GRCh38, 1-based): chr7:65,961,033, C>G on the plus strand (G>C on the coding strand, the complement: GUSB is on the minus strand). VCF-style: chr7-65961033-C-G. GRCh37 (hg19) VCF-style: chr7-65426020-C-G.
Other names: c.1820G>C (NM_000181.3); c.1382G>C, p.Gly461Ala (NM_001284290.2); c.1250G>C, p.Gly417Ala (NM_001293104.2); c.1163G>C, p.Gly388Ala (NM_001293105.2); short protein forms G461A, G388A, G607A, G417A.
Identifiers: ClinVar variation 2136543 (VCV002136543.7), dbSNP rs1250112198, ClinGen allele CA367637551.
Genomic context (GRCh38, chr7:65,961,033, plus strand): 5'-CAGTATCTCTCTCGCAAAAGGAACGCTGCACTTTTTGGTTGTCTCTGCCGAGTGAAGATC[C>G]CCTTTTTATTCCCCAGCACTCTCGTCGGTGCTACAAAAAAAAAAAAAAGACACAAAGCGA-3'
Protein context (NP_000172.2, residues 597-617): SPTRVLGNKK[Gly607Ala]IFTRQRQPKS